The following is an entry in ClinVar:

ClinVar aggregate classification (germline): Uncertain significance. Review status: criteria provided, multiple submitters, no conflicts (2 of 4 stars). 2 submissions from 2 submitters: Uncertain significance (2). Last evaluated 2025-11-26.

Allele frequency attached by ClinVar (database versions not stated): gnomAD exomes 0.00005 and 0.00002; gnomAD 0.00006; ESP Exome Variant Server 0.00022; ExAC 0.00010; TOPMed 0.00008.
gnomAD v4.1: 80 of 1,551,438 alleles (0.0052%); highest among the groups gnomAD compares: African/African-American, 0.0082%; no homozygotes.

Submissions (2):

Ambry Genetics
Classification: Uncertain significance. Last evaluated: 2025-11-26. Review status: criteria provided, single submitter. Criteria: Ambry Variant Classification Scheme 2023. Collection method: clinical testing. Allele origin: germline.

Labcorp Genetics (formerly Invitae), Labcorp
Classification: Uncertain significance. Last evaluated: 2022-07-23. Review status: criteria provided, single submitter. Criteria: Invitae Variant Classification Sherloc (09022015). Collection method: clinical testing. Allele origin: germline.
Comment: This sequence change replaces alanine, which is neutral and non-polar, with threonine, which is neutral and polar, at codon 142 of the KPNA7 protein (p.Ala142Thr). This variant is present in population databases (rs372168467, gnomAD 0.01%). This variant has not been reported in the literature in individuals affected with KPNA7-related conditions. ClinVar contains an entry for this variant (Variation ID: 1345457). Algorithms developed to predict the effect of missense changes on protein structure and function are either unavailable or do not agree on the potential impact of this missense change (SIFT: "Deleterious"; PolyPhen-2: "Probably Damaging"; Align-GVGD: "Class C0"). In summary, the available evidence is currently insufficient to determine the role of this variant in disease. Therefore, it has been classified as a Variant of Uncertain Significance.

NM_001145715.3(KPNA7):c.424G>A (p.Ala142Thr)

Gene: KPNA7 (karyopherin subunit alpha 7; minus strand). Cytogenetic location: 7q22.1.
Variant type: single nucleotide variant.
Coding change: c.424G>A on transcript NM_001145715.3 (MANE Select); coding-DNA position 424, G replaced by A.
Protein change: p.Ala142Thr; replaces alanine 142 with threonine.
Molecular consequence: missense variant.
Genome position (GRCh38, 1-based): chr7:99,195,199, C>T on the plus strand (G>A on the coding strand, the complement: KPNA7 is on the minus strand). VCF-style: chr7-99195199-C-T. GRCh37 (hg19) VCF-style: chr7-98792822-C-T.
Other names: c.424G>A (NM_001145715.1); short protein forms A142T.
Identifiers: ClinVar variation 1345457 (VCV001345457.7), dbSNP rs372168467, ClinGen allele CA4363253.